The following is an entry in ClinVar:

ClinVar aggregate classification (germline): Uncertain significance (1 of 4 stars; one submission).

Submission:

Labcorp Genetics (formerly Invitae), Labcorp
Classification: Uncertain significance. Last evaluated: 2025-11-23. Review status: criteria provided, single submitter. Criteria: Invitae Variant Classification Sherloc (09022015). Collection method: clinical testing. Allele origin: germline.
Comment: This sequence change replaces lysine, which is basic and polar, with asparagine, which is neutral and polar, at codon 594 of the SRP72 protein (p.Lys594Asn). This variant is not present in population databases (gnomAD no frequency). This variant has not been reported in the literature in individuals affected with SRP72-related conditions. Invitae Evidence Modeling of protein sequence and biophysical properties (such as structural, functional, and spatial information, amino acid conservation, physicochemical variation, residue mobility, and thermodynamic stability) indicates that this missense variant is not expected to disrupt SRP72 protein function with a negative predictive value of 80%. In summary, the available evidence is currently insufficient to determine the role of this variant in disease. Therefore, it has been classified as a Variant of Uncertain Significance.

NM_006947.4(SRP72):c.1782G>T (p.Lys594Asn)

Gene: SRP72 (signal recognition particle 72; plus strand). Cytogenetic location: 4q12.
Variant type: single nucleotide variant.
Coding change: c.1782G>T on transcript NM_006947.4 (MANE Select); coding-DNA position 1782, G replaced by T.
Protein change: p.Lys594Asn; replaces lysine 594 with asparagine.
Molecular consequence: missense variant. On other transcripts: non-coding transcript variant (1).
Genome position (GRCh38, 1-based): chr4:56,500,639, G>T. VCF-style: chr4-56500639-G-T. GRCh37 (hg19) VCF-style: chr4-57366805-G-T.
Other names: c.1599G>T, p.Lys533Asn (NM_001267722.2); short protein forms K594N, K533N.
Identifiers: ClinVar variation 4713403 (VCV004713403.1).